The following is an entry in ClinVar:

ClinVar aggregate classification (germline): Pathogenic. Review status: reviewed by expert panel (3 of 4 stars). 4 submissions from 4 submitters: Pathogenic (1). 3 of the submissions do not count toward it. Last evaluated 2016-09-08.

Conditions:
Hereditary cancer-predisposing syndrome. Also called: Hereditary Cancer Syndrome; Hereditary neoplastic syndrome; Neoplastic Syndromes, Hereditary; Tumor predisposition. Identifiers: Orphanet 140162, MedGen C0027672, MeSH D009386, MONDO:0015356.
Breast-ovarian cancer, familial, susceptibility to, 1 (BROVCA1). Also called: BRCA1 Hereditary Breast and Ovarian Cancer; OVARIAN CANCER, SUSCEPTIBILITY TO. Identifiers: Orphanet 145, MedGen C2676676, MONDO:0011450, OMIM 604370. Disease mechanism: loss of function.

Submissions (4):

Evidence-based Network for the Interpretation of Germline Mutant Alleles (ENIGMA)
Classification: Pathogenic for Breast-ovarian cancer, familial, susceptibility to, 1. Last evaluated: 2016-09-08. Review status: reviewed by expert panel. Criteria: ENIGMA BRCA1/2 Classification Criteria (2015). Collection method: curation. Allele origin: germline.
Comment: Variant allele predicted to encode a truncated non-functional protein.

Ambry Genetics
Classification: Pathogenic for Hereditary cancer-predisposing syndrome. Last evaluated: 2020-03-26. Review status: criteria provided, single submitter. Criteria: Ambry Variant Classification Scheme 2023. Collection method: clinical testing. Allele origin: germline. Not counted in ClinVar's aggregate classification.
Comment: The c.835delC pathogenic mutation, located in coding exon 9 of the BRCA1 gene, results from a deletion of one nucleotide at position 835, causing a translational frameshift with a predicted alternate stop codon (p.H279Mfs*19). This variant has been reported in multiple BRCA1/2 mutation positive families (Zuradelli M et al. Breast Cancer Res. Treat., 2010 Nov;124:251-8; Lecarpentier J et al. Breast Cancer Res., 2012 Jul;14:R99; Rebbeck TR et al. Hum. Mutat., 2018 05;39:593-620). Of note, this alteration is also designated as 954delC in the published literature. In addition to the clinical data presented in the literature, this alteration is expected to result in loss of function by premature protein truncation or nonsense-mediated mRNA decay. As such, this alteration is interpreted as a disease-causing mutation.

Consortium of Investigators of Modifiers of BRCA1/2 (CIMBA), c/o University of Cambridge
Classification: Pathogenic for Breast-ovarian cancer, familial, susceptibility to, 1. Last evaluated: 2015-10-02. Review status: criteria provided, single submitter. Criteria: CIMBA Mutation Classification guidelines May 2016. Collection method: clinical testing. Allele origin: germline. Not counted in ClinVar's aggregate classification.

Breast Cancer Information Core (BIC) (BRCA1)
Classification: Pathogenic for Breast-ovarian cancer, familial 1. Last evaluated: 2002-05-29. Review status: no assertion criteria provided. Collection method: clinical testing. Allele origin: germline. Affected: yes. Observed: 1 variant allele. Not counted in ClinVar's aggregate classification.

Literature cited by the submitters: PubMed 20373018 (cited by Ambry Genetics); PubMed 22762150 (cited by Ambry Genetics); PubMed 29446198 (cited by Ambry Genetics).

NM_007294.4(BRCA1):c.835del (p.His279fs)

Gene: BRCA1 (BRCA1 DNA repair associated; minus strand). Cytogenetic location: 17q21.31.
Variant type: Deletion.
Coding change: c.835del on transcript NM_007294.4 (MANE Select); coding-DNA position 835, one base deleted (C; older notation c.835delC).
Protein change: p.His279fs; shifts the reading frame from histidine 279.
Molecular consequence: frameshift variant. On other transcripts: intron variant (137), 5 prime UTR variant (2).
Genome position (GRCh38, 1-based): chr17:43,094,696, G deleted on the plus strand (C on the coding strand, the reverse complement: BRCA1 is on the minus strand). VCF-style (leftmost placement, unchanged base first): chr17-43094695-TG-T. GRCh37 (hg19) VCF-style: chr17-41246712-TG-T.
Other names: 954delC; c.835del, p.His279fs (NM_007300.4, NM_001407581.1, NM_001407582.1 and 30 more transcripts); c.646+48del (NM_001408458.1, NM_001408469.1, NM_001408453.1 and 11 more transcripts); c.283+48del (NM_001408512.1); c.406+48del (NM_001408510.1); c.643+48del (NM_001408470.1, NM_001408464.1, NM_001408468.1 and 3 more transcripts); c.784+48del (NM_001408397.1, NM_001408401.1, NM_001408396.1 and 13 more transcripts); c.664+48del (NM_001408436.1, NM_001408444.1, NM_001408438.1 and 12 more transcripts); and 41 more; short protein forms H232fs, H279fs, H168fs, H211fs, H212fs, H253fs, H278fs, H152fs.
Identifiers: ClinVar variation 55729 (VCV000055729.7), dbSNP rs80357523, ClinGen allele CA003929.
Genomic context (GRCh38, chr17:43,094,695, plus strand): 5'-ACATTCATTCTGTCTTTAGTGAGTAATAAACTGCTGTTCTCATGCTGTAATGAGCTGGCA[TG>T]AGTATTTGTGCCACATGGCTCCACATGCAAGTTTGAAACAGAACTACCCTGATACTTTTC-3'